The following is an entry in ClinVar:

NM_052867.4(NALCN):c.3553G>A (p.Ala1185Thr)

Gene: NALCN (sodium leak channel, non-selective; minus strand). Cytogenetic location: 13q32.3.
Variant type: single nucleotide variant.
Coding change: c.3553G>A on transcript NM_052867.4 (MANE Select); coding-DNA position 3553, G replaced by A.
Protein change: p.Ala1185Thr; replaces alanine 1185 with threonine.
Molecular consequence: missense variant.
Genome position (GRCh38, 1-based): chr13:101,083,741, C>T on the plus strand (G>A on the coding strand, the complement: NALCN is on the minus strand). VCF-style: chr13-101083741-C-T. GRCh37 (hg19) VCF-style: chr13-101736092-C-T.
Other names: c.3640G>A, p.Ala1214Thr (NM_001350748.2); c.3553G>A, p.Ala1185Thr (NM_001350749.2); c.3466G>A, p.Ala1156Thr (NM_001350750.2, NM_001350751.2); short protein forms A1156T, A1185T, A1214T.
Identifiers: ClinVar variation 1678829 (VCV001678829.35), dbSNP rs2139519168, ClinGen allele CA388651800.

ClinVar aggregate classification (germline): Pathogenic/Likely pathogenic. Review status: criteria provided, multiple submitters, no conflicts (2 of 4 stars). 6 submissions from 6 submitters: Pathogenic (3); Likely pathogenic (3). Last evaluated 2025-12-18.

Conditions:
Congenital contractures of the limbs and face, hypotonia, and developmental delay (CLIFAHDD). Identifiers: Orphanet 562528, MedGen C4225398, MONDO:0014556, OMIM 616266.

Submissions (6):

Equipe Genetique des Anomalies du Developpement, Université de Bourgogne
Classification: Likely pathogenic for Congenital contractures of the limbs and face, hypotonia, and developmental delay. Last evaluated: 2025-12-18. Review status: criteria provided, single submitter. Criteria: ACMG Guidelines, 2015. Collection method: clinical testing. Allele origin: de novo. Affected: yes.

Variantyx, Inc.
Classification: Likely pathogenic for Congenital contractures of the limbs and face, hypotonia, and developmental delay. Last evaluated: 2025-12-18. Review status: criteria provided, single submitter. Criteria: Variantyx Assertion Criteria 2022. Collection method: clinical testing. Allele origin: de novo. Inheritance: Autosomal dominant inheritance. Affected: yes.
Comment: This is a nonsynonymous variant in the NALCN gene (OMIM: 611549). Pathogenic variants in this gene have been associated with autosomal dominant congenital contractures of the limbs and face, hypotonia, and developmental delay. This variant likely occurred de novo in individuals reported in the published literature; however, the possibility of parental germline mosaicism cannot be excluded (PMID: 28333917, 38281861, 38873579) (PS2). Multiple computational algorithms predict a deleterious effect for this variant (REVEL score: 0.801) (PP3). This variant is absent from control populations (PM2). Based on the current evidence, this variant is classified as likely pathogenic for autosomal dominant congenital contractures of the limbs and face, hypotonia, and developmental delay.

Victorian Clinical Genetics Services, Murdoch Childrens Research Institute
Classification: Pathogenic for Congenital contractures of the limbs and face, hypotonia, and developmental delay. Last evaluated: 2025-06-03. Review status: criteria provided, single submitter. Criteria: ACMG Guidelines, 2015. Collection method: clinical testing. Allele origin: germline. Affected: yes.
Comment: This variant is classified as Pathogenic. Evidence in support of pathogenic classification: Variant is absent from gnomAD (v2, v3 and v4); This variant has strong previous evidence of pathogenicity in unrelated individuals. This variant has been classified pathogenic or likely pathogenic by clinical laboratories (ClinVar). This variant has been reported to be de novo in individuals with NALCN-related phenotypes (PMIDs: 28333917, 38873579, 38281861); Missense variant in a region that is highly intolerant to missense variation (high constraint region in DECIPHER); Missense variant predicted to be damaging by in silico tool(s) or highly conserved with a major amino acid change. Additional information: Variant is predicted to result in a missense amino acid change from alanine to threonine; This variant is heterozygous; This gene is associated with both recessive and dominant disease. The recessive condition is associated with both null variants and missense variants outside of the S5/S6 segments of the protein (PMID: 30167850), whereas the dominant condition is mostly associated with missense variants within the S5/S6 segments (PMID: 26763878); No published functional evidence has been identified for this variant; No comparable missense variants have previous evidence for pathogenicity; Loss of function is a known mechanism of disease in this gene and is associated with autosomal recessive hypotonia, infantile, with psychomotor retardation and characteristic facies 1 (MIM#615419). Dominant negative and gain of function are postulated mechanisms for autosomal dominant congenital contractures of the limbs and face, hypotonia, and developmental delay (MIM# 6162660) (PMID: 26763878).

CeGaT Center for Human Genetics Tuebingen
Classification: Likely pathogenic. Last evaluated: 2023-01-01. Review status: criteria provided, single submitter. Criteria: CeGaT Center For Human Genetics Tuebingen Variant Classification Criteria Version 2. Collection method: clinical testing. Allele origin: germline. Affected: yes. Observed: 1 variant allele.
Comment: NALCN: PM1, PM2, PP2, PP3, PS2:Supporting, PS4:Supporting

3billion
Classification: Pathogenic for Congenital contractures of the limbs and face, hypotonia, and developmental delay. Last evaluated: 2022-05-22. Review status: criteria provided, single submitter. Criteria: ACMG Guidelines, 2015. Collection method: clinical testing. Allele origin: germline. Affected: yes. Observed: 1 heterozygote.
Comment: The variant is not observed in the gnomAD v2.1.1 dataset. It is located in a mutational hot spot and/or well-established functional domain in which established pathogenic variants have been reported. Missense changes are a common disease-causing mechanism. In silico tool predictions suggest damaging effect of the variant on gene or gene product (REVEL: 0.80; 3Cnet: 0.73). Same nucleotide change resulting in same amino acid change has been previously reported to be associated with NALCN related disorder (PMID: 28333917). The variant has been previously reported as de novo in a similarly affected individual (PMID: 28333917). Therefore, this variant is classified as pathogenic according to the recommendation of ACMG/AMP guideline.

GeneDx
Classification: Pathogenic. Last evaluated: 2022-04-23. Review status: criteria provided, single submitter. Criteria: GeneDx Variant Classification Process June 2021. Collection method: clinical testing. Allele origin: germline. Affected: yes.
Comment: Not observed in large population cohorts (gnomAD); In silico analysis supports that this missense variant has a deleterious effect on protein structure/function; This variant is associated with the following publications: (PMID: 28333917)

Literature cited by the submitters: PubMed 28333917 (cited by 3 submitters); PubMed 38281861 (cited by Variantyx, Inc. and Victorian Clinical Genetics Services, Murdoch Childrens Research Institute); PubMed 38873579 (cited by Variantyx, Inc. and Victorian Clinical Genetics Services, Murdoch Childrens Research Institute); PubMed 30167850 (cited by Victorian Clinical Genetics Services, Murdoch Childrens Research Institute); PubMed 26763878 (cited by Victorian Clinical Genetics Services, Murdoch Childrens Research Institute).